The following is an entry in ClinVar:

NM_001077350.3(NPRL3):c.1021A>C (p.Ser341Arg)

Genes: HBA-LCR (alpha-globin locus control region; plus strand), NPRL3 (NPR3 like, GATOR1 complex subunit; minus strand). Cytogenetic location: 16p13.3.
Variant type: single nucleotide variant.
Coding change: c.1021A>C on transcript NM_001077350.3 (MANE Select); coding-DNA position 1021, A replaced by C.
Protein change: p.Ser341Arg; replaces serine 341 with arginine.
Molecular consequence: missense variant.
Genome position (GRCh38, 1-based): chr16:93,229, T>G on the plus strand (A>C on the coding strand, the complement: NPRL3 is on the minus strand). VCF-style: chr16-93229-T-G. GRCh37 (hg19) VCF-style: chr16-143227-T-G.
Other names: c.484A>C, p.Ser162Arg (NM_001039476.3); c.787A>C, p.Ser263Arg (NM_001243247.2); c.946A>C, p.Ser316Arg (NM_001243248.2, NM_001243249.2); short protein forms S316R, S341R, S162R, S263R.
Identifiers: ClinVar variation 4763765 (VCV004763765.1).
Genomic context (GRCh38, chr16:93,229, plus strand): 5'-TCACCCCTTCCCACTCGGGGCTCCAGGCTCTGGCAGCCAGCAGCACTCACAGACATACGC[T>G]GGCATTGGGAGACAGCATGTAGACGTTGTTCTCACACAGCGGGTAGATGATGATGGCCTT-3'
Protein context (NP_001070818.1, residues 331-351): NNVYMLSPNA[Ser341Arg]VCLYSPLAEQ

ClinVar aggregate classification (germline): Uncertain significance (1 of 4 stars; one submission).

Conditions:
Epilepsy, familial focal, with variable foci 3 (FFEVF3). Identifiers: MedGen C4310708, MONDO:0014925, OMIM 617118.

gnomAD v4.1: 12 of 1,553,282 alleles (0.00077%); highest among the groups gnomAD compares: East Asian, 0.029%; no homozygotes.

Submission:

Labcorp Genetics (formerly Invitae), Labcorp
Classification: Uncertain significance for Epilepsy, familial focal, with variable foci 3. Last evaluated: 2026-01-21. Review status: criteria provided, single submitter. Criteria: Invitae Variant Classification Sherloc (09022015). Collection method: clinical testing. Allele origin: germline.
Comment: This sequence change replaces serine, which is neutral and polar, with arginine, which is basic and polar, at codon 341 of the NPRL3 protein (p.Ser341Arg). This variant is not present in population databases (gnomAD no frequency). This variant has not been reported in the literature in individuals affected with NPRL3-related conditions. Invitae Evidence Modeling of protein sequence and biophysical properties (such as structural, functional, and spatial information, amino acid conservation, physicochemical variation, residue mobility, and thermodynamic stability) indicates that this missense variant is not expected to disrupt NPRL3 protein function with a negative predictive value of 80%. Algorithms developed to predict the effect of sequence changes on RNA splicing suggest that this variant may create or strengthen a splice site. In summary, the available evidence is currently insufficient to determine the role of this variant in disease. Therefore, it has been classified as a Variant of Uncertain Significance.